The following is an entry in ClinVar:

ClinVar aggregate classification (germline): Uncertain significance. Review status: criteria provided, single submitter (1 of 4 stars). 2 submissions from 2 submitters: Uncertain significance (1). 1 of the submissions does not count toward it. Last evaluated 2018-05-15.

Conditions:
TTN-related disorder. Also called: TTN-related disorders; TTN-related condition; TTN-related disease.
Cardiomyopathy (CMYO). Also called: Cardiomyopathies. Identifiers: Orphanet 167848, MedGen C0878544, MONDO:0004994, HP:0001638. Inheritance: Various modes of inheritance.

Allele frequency attached by ClinVar (database versions not stated): gnomAD exomes below 0.00001; gnomAD 0.00001; TOPMed 0.00001.
gnomAD v4.1: 2 of 1,612,546 alleles (0.00012%); highest among the groups gnomAD compares: Non-Finnish European, 0.00017%; no homozygotes.

Submissions (2):

CHEO Genetics Diagnostic Laboratory, Children's Hospital of Eastern Ontario
Classification: Uncertain significance for Cardiomyopathy. Last evaluated: 2018-05-15. Review status: criteria provided, single submitter. Criteria: ACMG Guidelines, 2015. Collection method: clinical testing. Allele origin: germline.

PreventionGenetics, part of Exact Sciences
Classification: Uncertain significance for TTN-related condition. Last evaluated: 2023-11-15. Review status: no assertion criteria provided. Collection method: clinical testing. Allele origin: germline. Not counted in ClinVar's aggregate classification.
Comment: The TTN c.72965T>G variant is predicted to result in the amino acid substitution p.Phe24322Cys. To our knowledge, this variant has not been reported in the literature or in a large population database, indicating this variant is rare. At this time, the clinical significance of this variant is uncertain due to the absence of conclusive functional and genetic evidence.

NM_001267550.2(TTN):c.72965T>G (p.Phe24322Cys)

Genes: TTN (titin; minus strand), TTN-AS1 (TTN antisense RNA 1; plus strand). Cytogenetic location: 2q31.2.
Variant type: single nucleotide variant.
Coding change: c.72965T>G on transcript NM_001267550.2 (MANE Select); coding-DNA position 72965, T replaced by G.
Protein change: p.Phe24322Cys; replaces phenylalanine 24322 with cysteine.
Molecular consequence: missense variant.
Genome position (GRCh38, 1-based): chr2:178,573,167, A>C on the plus strand (T>G on the coding strand, the complement: TTN is on the minus strand). VCF-style: chr2-178573167-A-C. GRCh37 (hg19) VCF-style: chr2-179437894-A-C.
Other names: c.68042T>G, p.Phe22681Cys (NM_001256850.1); c.45770T>G, p.Phe15257Cys (NM_003319.4); c.65261T>G, p.Phe21754Cys (NM_133378.4); c.46145T>G, p.Phe15382Cys (NM_133432.3); c.46346T>G, p.Phe15449Cys (NM_133437.4); short protein forms F15449C, F22681C, F24322C, F15257C, F21754C, F15382C.
Identifiers: ClinVar variation 915557 (VCV000915557.4), dbSNP rs1003983177, ClinGen allele CA60999584.